The following is an entry in ClinVar:

NM_006245.4(PPP2R5D):c.917+10C>T

Gene: PPP2R5D (protein phosphatase 2 regulatory subunit B'delta; plus strand). Cytogenetic location: 6p21.1.
Variant type: single nucleotide variant.
Coding change: c.917+10C>T on transcript NM_006245.4 (MANE Select); 10 bases into the intron after coding-DNA position 917, C replaced by T.
Molecular consequence: intron variant.
Genome position (GRCh38, 1-based): chr6:43,008,270, C>T. VCF-style: chr6-43008270-C-T. GRCh37 (hg19) VCF-style: chr6-42976008-C-T.
Other names: c.464+10C>T (NM_001270476.2); c.821+10C>T (NM_180976.3); c.599+10C>T (NM_180977.3).
Identifiers: ClinVar variation 737380 (VCV000737380.15), dbSNP rs370250232, ClinGen allele CA3811938.

ClinVar aggregate classification (germline): Benign/Likely benign. Review status: criteria provided, multiple submitters, no conflicts (2 of 4 stars). 3 submissions from 3 submitters: Benign (2); Likely benign (1). Last evaluated 2026-05-13.

Conditions:
PPP2R5D-related disorder. Also called: PPP2R5D-related condition.

Allele frequency attached by ClinVar (database versions not stated): gnomAD 0.00047 and 0.00048; 1000 Genomes Project 0.00060; TOPMed 0.00061; 1000 Genomes Project 30x 0.00062; ESP Exome Variant Server 0.00092.
gnomAD v4.1: 232 of 1,614,112 alleles (0.014%); highest among the groups gnomAD compares: African/African-American, 0.15%; 1 homozygote.

Submissions (3):

PreventionGenetics, part of Exact Sciences
Classification: Likely benign for PPP2R5D-related condition. Last evaluated: 2026-05-13. Review status: criteria provided, single submitter. Criteria: ACMG Guidelines, 2015. Collection method: clinical testing. Allele origin: germline.
Comment: This variant is classified as likely benign based on ACMG/AMP sequence variant interpretation guidelines (Richards et al. 2015 PMID: 25741868, with internal and published modifications).

Labcorp Genetics (formerly Invitae), Labcorp
Classification: Benign. Last evaluated: 2025-10-26. Review status: criteria provided, single submitter. Criteria: Invitae Variant Classification Sherloc (09022015). Collection method: clinical testing. Allele origin: germline.

GeneDx
Classification: Benign. Last evaluated: 2020-08-28. Review status: criteria provided, single submitter. Criteria: GeneDx Variant Classification Process June 2021. Collection method: clinical testing. Allele origin: germline. Affected: yes.